The following is an entry in ClinVar:

NM_001083961.2(WDR62):c.1709A>G (p.Tyr570Cys)

Gene: WDR62 (WD repeat domain 62; plus strand). Cytogenetic location: 19q13.12.
Variant type: single nucleotide variant.
Coding change: c.1709A>G on transcript NM_001083961.2 (MANE Select); coding-DNA position 1709, A replaced by G.
Protein change: p.Tyr570Cys; replaces tyrosine 570 with cysteine.
Molecular consequence: missense variant.
Genome position (GRCh38, 1-based): chr19:36,086,753, A>G. VCF-style: chr19-36086753-A-G. GRCh37 (hg19) VCF-style: chr19-36577655-A-G.
Other names: c.1709A>G, p.Tyr570Cys (NM_173636.5); short protein forms Y570C.
Identifiers: ClinVar variation 888794 (VCV000888794.13), dbSNP rs761202940, ClinGen allele CA9395694.

ClinVar aggregate classification (germline): Uncertain significance. Review status: criteria provided, multiple submitters, no conflicts (2 of 4 stars). 3 submissions from 3 submitters: Uncertain significance (3). Last evaluated 2023-02-28.

Conditions:
Microcephaly 2, primary, autosomal recessive, with or without cortical malformations. Also called: WDR62 Primary Microcephaly; MICROCEPHALY 2, PRIMARY, AUTOSOMAL RECESSIVE, WITH CORTICAL MALFORMATIONS. Identifiers: Orphanet 2512, MedGen C1858535, MONDO:0011435, OMIM 604317.
Inborn genetic diseases. Identifiers: MedGen C0950123, MeSH D030342.

Allele frequency attached by ClinVar (database versions not stated): gnomAD exomes below 0.00001 and 0.00002; ExAC 0.00001; gnomAD 0.00001; TOPMed 0.00002.
gnomAD v4.1: 32 of 1,608,208 alleles (0.002%); highest among the groups gnomAD compares: East Asian, 0.047%; no homozygotes.

Submissions (3):

Ambry Genetics
Classification: Uncertain significance for Inborn genetic diseases. Last evaluated: 2023-02-28. Review status: criteria provided, single submitter. Criteria: Ambry Variant Classification Scheme 2023. Collection method: clinical testing. Allele origin: germline.

Labcorp Genetics (formerly Invitae), Labcorp
Classification: Uncertain significance. Last evaluated: 2021-05-18. Review status: criteria provided, single submitter. Criteria: Invitae Variant Classification Sherloc (09022015). Collection method: clinical testing. Allele origin: germline.
Comment: In summary, the available evidence is currently insufficient to determine the role of this variant in disease. Therefore, it has been classified as a Variant of Uncertain Significance. Algorithms developed to predict the effect of missense changes on protein structure and function are either unavailable or do not agree on the potential impact of this missense change (SIFT: "Deleterious"; PolyPhen-2: "Probably Damaging"; Align-GVGD: "Class C0"). This variant has not been reported in the literature in individuals with WDR62-related conditions. ClinVar contains an entry for this variant (Variation ID: 888794). This variant is present in population databases (rs761202940, ExAC 0.02%). This sequence change replaces tyrosine with cysteine at codon 570 of the WDR62 protein (p.Tyr570Cys). The tyrosine residue is highly conserved and there is a large physicochemical difference between tyrosine and cysteine.

Illumina Laboratory Services, Illumina
Classification: Uncertain significance for Microcephaly 2, primary, autosomal recessive, with or without cortical malformations. Last evaluated: 2018-01-13. Review status: criteria provided, single submitter. Criteria: ICSL Variant Classification Criteria 13 December 2019. Collection method: clinical testing. Allele origin: germline.